The following is an entry in ClinVar:

ClinVar aggregate classification (germline): Likely benign (1 of 4 stars; one submission).

Submission:

CeGaT Center for Human Genetics Tuebingen
Classification: Likely benign. Last evaluated: 2023-05-01. Review status: criteria provided, single submitter. Criteria: CeGaT Center For Human Genetics Tuebingen Variant Classification Criteria Version 2. Collection method: clinical testing. Allele origin: germline. Affected: yes. Observed: 1 variant allele.
Comment: CDAN1: PM2:Supporting, BP4, BP7

NM_138477.4(CDAN1):c.1086C>T (p.Ser362=)

Gene: CDAN1 (codanin 1; minus strand). Cytogenetic location: 15q15.2.
Variant type: single nucleotide variant.
Coding change: c.1086C>T on transcript NM_138477.4 (MANE Select); coding-DNA position 1086, C replaced by T.
Protein change: p.Ser362=; no amino-acid change (serine 362 retained).
Molecular consequence: synonymous variant.
Genome position (GRCh38, 1-based): chr15:42,735,150, G>A on the plus strand (C>T on the coding strand, the complement: CDAN1 is on the minus strand). VCF-style: chr15-42735150-G-A. GRCh37 (hg19) VCF-style: chr15-43027348-G-A.
Identifiers: ClinVar variation 2645255 (VCV002645255.24), dbSNP rs2506128116, ClinGen allele CA489895981.
Genomic context (GRCh38, chr15:42,735,150, plus strand): 5'-GGAAACTCACTGAAAGTGACACTCCAAAACCTGCACTGCAAAGAAGACACAATCGTGGAT[G>A]CTTTGGAACAGTGGACTTTCCAGGGAATCTAGAAGGACAGTACCAAGCTGTCAGTTAAGA-3'
Protein context (NP_612486.2, residues 352-372): LDSLESPLFQ[Ser362=]IHDCVFFAVQ